The following is an entry in ClinVar:

ClinVar aggregate classification (germline): Likely pathogenic. Review status: criteria provided, single submitter (1 of 4 stars). 2 submissions from 2 submitters: Likely pathogenic (1). 1 of the submissions does not count toward it. Last evaluated 2017-05-24.

Conditions:
Hereditary cancer-predisposing syndrome. Also called: Tumor predisposition; Hereditary Cancer Syndrome; Neoplastic Syndromes, Hereditary; Hereditary neoplastic syndrome. Identifiers: Orphanet 140162, MedGen C0027672, MeSH D009386, MONDO:0015356.
Tuberous sclerosis syndrome (TSC). Also called: Tuberous Sclerosis Complex; Tuberous sclerosis. Identifiers: Orphanet 805, MedGen C0041341, MONDO:0001734.

Submissions (2):

Ambry Genetics
Classification: Likely pathogenic for Hereditary cancer-predisposing syndrome. Last evaluated: 2017-05-24. Review status: criteria provided, single submitter. Criteria: Ambry Variant Classification Scheme 2023. Collection method: clinical testing. Allele origin: germline.
Comment: The p.L1708P variant (also known as c.5123T>C), located in coding exon 39 of the TSC2 gene, results from a T to C substitution at nucleotide position 5123. The leucine at codon 1708 is replaced by proline, an amino acid with similar properties. In one study, this alteration was detected in an individual from a cohort of patients who had or were suspected to have tuberous sclerosis complex (TSC) (Sancak O et al. Eur. J. Hum. Genet., 2005 Jun;13:731-41). In another study, this alteration was detected in an individual with TSC symptoms; however it is unclear whether this individual met formal diagnostic criteria (van Eeghen AM et al. Epilepsy Res., 2013 Jan;103:83-7). In addition, internal structural analysis predicts that this alteration will significantly disrupt protein structure and impact the function of a significant protein domain. This amino acid position is highly conserved in available vertebrate species. In addition, this alteration is predicted to be deleterious by in silico analysis. Based on the majority of available evidence to date, this variant is likely to be pathogenic.

Tuberous sclerosis database (TSC2)
No classification provided. Condition: TSC. Review status: no classification provided. Criteria: Tuberous Sclerosis Database Assertion Criteria 2015. Collection method: curation. Allele origin: germline. Affected: yes. Not counted in ClinVar's aggregate classification.

Literature cited by the submitters: PubMed 15798777 (cited by Ambry Genetics); PubMed 22867869 (cited by Ambry Genetics).

NM_000548.5(TSC2):c.5123T>C (p.Leu1708Pro)

Gene: TSC2 (TSC complex subunit 2; plus strand). Cytogenetic location: 16p13.3.
Variant type: single nucleotide variant.
Coding change: c.5123T>C on transcript NM_000548.5 (MANE Select); coding-DNA position 5123, T replaced by C.
Protein change: p.Leu1708Pro; replaces leucine 1708 with proline.
Molecular consequence: missense variant.
Genome position (GRCh38, 1-based): chr16:2,088,102, T>C. VCF-style: chr16-2088102-T-C. GRCh37 (hg19) VCF-style: chr16-2138103-T-C.
Other names: c.4814T>C, p.Leu1605Pro (NM_001318827.2); c.4778T>C, p.Leu1593Pro (NM_001318829.2); c.4391T>C, p.Leu1464Pro (NM_001318831.2); c.4955T>C, p.Leu1652Pro (NM_001318832.2); c.4925T>C, p.Leu1642Pro (NM_001363528.2); c.4991T>C, p.Leu1664Pro (NM_001370404.1); c.4994T>C, p.Leu1665Pro (NM_001370405.1, NM_021055.3); c.4922T>C, p.Leu1641Pro (NM_001077183.3); and 1 more; short protein forms L1708P, L1464P, L1593P, L1665P, L1605P, L1664P, L1685P, L1641P.
Identifiers: ClinVar variation 65364 (VCV000065364.3), dbSNP rs397515274, ClinGen allele CA021783.
Genomic context (GRCh38, chr16:2,088,102, plus strand): 5'-CCCCAGACATGGAGGGCCTTGTGGACACCAGCGTGGCCAAGATCGTGTCTGACCGCAACC[T>C]GCCCTTCGTGGCCCGCCAGATGGCCCTGCACGCAAATGTGAGTGGGGGTGGGTCCAGGCG-3'
Protein context (NP_000539.2, residues 1698-1718): SVAKIVSDRN[Leu1708Pro]PFVARQMALH